The following is an entry in ClinVar:

NM_173560.4(RFX6):c.639G>C (p.Leu213Phe)

Gene: RFX6 (regulatory factor X6; plus strand). Cytogenetic location: 6q22.1.
Variant type: single nucleotide variant.
Coding change: c.639G>C on transcript NM_173560.4 (MANE Select); coding-DNA position 639, G replaced by C.
Protein change: p.Leu213Phe; replaces leucine 213 with phenylalanine.
Molecular consequence: missense variant.
Genome position (GRCh38, 1-based): chr6:116,894,059, G>C. VCF-style: chr6-116894059-G-C. GRCh37 (hg19) VCF-style: chr6-117215222-G-C.
Other names: short protein forms L213F.
Identifiers: ClinVar variation 2001908 (VCV002001908.4), dbSNP rs1774888591, ClinGen allele CA365430484.

ClinVar aggregate classification (germline): Uncertain significance (1 of 4 stars; one submission).

Submission:

Labcorp Genetics (formerly Invitae), Labcorp
Classification: Uncertain significance. Last evaluated: 2022-06-02. Review status: criteria provided, single submitter. Criteria: Invitae Variant Classification Sherloc (09022015). Collection method: clinical testing. Allele origin: germline.
Comment: This variant has not been reported in the literature in individuals affected with RFX6-related conditions. In summary, the available evidence is currently insufficient to determine the role of this variant in disease. Therefore, it has been classified as a Variant of Uncertain Significance. Algorithms developed to predict the effect of missense changes on protein structure and function are either unavailable or do not agree on the potential impact of this missense change (SIFT: "Deleterious"; PolyPhen-2: "Probably Damaging"; Align-GVGD: "Class C15"). This variant is not present in population databases (gnomAD no frequency). This sequence change replaces leucine, which is neutral and non-polar, with phenylalanine, which is neutral and non-polar, at codon 213 of the RFX6 protein (p.Leu213Phe).